The following is an entry in ClinVar:

NM_018684.4(ZC4H2):c.406G>C (p.Glu136Gln)

Gene: ZC4H2 (zinc finger C4H2-type containing; minus strand). Cytogenetic location: Xq11.2.
Variant type: single nucleotide variant.
Coding change: c.406G>C on transcript NM_018684.4 (MANE Select); coding-DNA position 406, G replaced by C.
Protein change: p.Glu136Gln; replaces glutamic acid 136 with glutamine.
Molecular consequence: missense variant. On other transcripts: non-coding transcript variant (1), intron variant (1).
Genome position (GRCh38, 1-based): chrX:64,919,197, C>G on the plus strand (G>C on the coding strand, the complement: ZC4H2 is on the minus strand). VCF-style: chrX-64919197-C-G. GRCh37 (hg19) VCF-style: chrX-64139077-C-G.
Other names: c.337G>C, p.Glu113Gln (NM_001178032.3, NM_001243804.2); c.398+884G>C (NM_001178033.3); short protein forms E113Q, E136Q.
Identifiers: ClinVar variation 1698980 (VCV001698980.4), dbSNP rs751880978, ClinGen allele CA413411647.

ClinVar aggregate classification (germline): Uncertain significance. Review status: criteria provided, multiple submitters, no conflicts (2 of 4 stars). 2 submissions from 2 submitters: Uncertain significance (2). Last evaluated 2025-03-06.

Conditions:
Wieacker-Wolff syndrome. Also called: APRAXIA, OCULOMOTOR, WITH CONGENITAL CONTRACTURES AND MUSCLE ATROPHY; MENTAL RETARDATION, X-LINKED, SYNDROMIC 4; MENTAL RETARDATION, X-LINKED, WITH CONGENITAL CONTRACTURES AND LOW FINGERTIP ARCHES; Intellectual disability-developmental delay-contractures syndrome; Miles-Carpenter syndrome; Wieacker-Wolff, X-linked recessive. Identifiers: Orphanet 3454, Orphanet 85283, MedGen C0796200, MONDO:0010758, OMIM 314580.

Submissions (2):

Revvity Omics, Revvity
Classification: Uncertain significance. Last evaluated: 2025-03-06. Review status: criteria provided, single submitter. Criteria: ACMG Guidelines, 2015. Collection method: clinical testing. Allele origin: germline.

Victorian Clinical Genetics Services, Murdoch Childrens Research Institute
Classification: Uncertain significance for Wieacker-Wolff syndrome. Last evaluated: 2020-05-01. Review status: criteria provided, single submitter. Criteria: ACMG Guidelines, 2015. Collection method: clinical testing. Allele origin: germline. Inheritance: X-linked recessive inheritance.
Comment: Based on the classification scheme VCGS_Germline_v1.1.1, this variant is classified as VUS - 3B. Following criteria are met: 0102 - Loss-of-function is a known mechanism of disease for this gene. (N) 0109 - This gene is known to be associated with X-linked recessive disease. (N) 0200 - Variant is predicted to result in a missense amino acid change from glutamic acid to glutamine (exon 4). (N) 0253 - Variant is hemizygous. (N) 0301 - Variant is absent from gnomAD. (P) 0502 - Missense variant with conflicting in-silico predictions and/or uninformative conservation. (N) 0600 - Variant is located in an annotated domain or motif. (PDB, NCBI) (N) 0705 - No comparable variants have previous evidence for pathogenicity. (N) 0807 - Variant has not previously been reported in a clinical context. (N) 0905 - No segregation evidence has been identified for this variant. (N) 1007 - No published functional evidence has been identified for this variant. (N) Legend: (P) - Pathogenic, (N) - Neutral, (B) - Benign